The following is an entry in ClinVar:

ClinVar aggregate classification (germline): Uncertain significance (1 of 4 stars; one submission).

Conditions:
Inborn genetic diseases. Identifiers: MedGen C0950123, MeSH D030342.

Submission:

Ambry Genetics
Classification: Uncertain significance for Inborn genetic diseases. Last evaluated: 2022-02-21. Review status: criteria provided, single submitter. Criteria: Ambry Variant Classification Scheme 2023. Collection method: clinical testing. Allele origin: germline.
Comment: The p.P1125A variant (also known as c.3373C>G), located in coding exon 25 of the LRRK2 gene, results from a C to G substitution at nucleotide position 3373. The proline at codon 1125 is replaced by alanine, an amino acid with highly similar properties. This amino acid position is conserved. In addition, this alteration is predicted to be tolerated by in silico analysis. Since supporting evidence is limited at this time, the clinical significance of this alteration remains unclear.

NM_198578.4(LRRK2):c.3373C>G (p.Pro1125Ala)

Gene: LRRK2 (leucine rich repeat kinase 2; plus strand). Cytogenetic location: 12q12.
Variant type: single nucleotide variant.
Coding change: c.3373C>G on transcript NM_198578.4 (MANE Select); coding-DNA position 3373, C replaced by G.
Protein change: p.Pro1125Ala; replaces proline 1125 with alanine.
Molecular consequence: missense variant.
Genome position (GRCh38, 1-based): chr12:40,299,134, C>G. VCF-style: chr12-40299134-C-G. GRCh37 (hg19) VCF-style: chr12-40692936-C-G.
Other names: short protein forms P1125A.
Identifiers: ClinVar variation 1730753 (VCV001730753.2), dbSNP rs1555185452, ClinGen allele CA384415530.